The following is an entry in ClinVar:

ClinVar aggregate classification (germline): Pathogenic. Review status: criteria provided, multiple submitters, no conflicts (2 of 4 stars). 2 submissions from 2 submitters: Pathogenic (2). Last evaluated 2022-05-13.

Conditions:
Autosomal recessive inherited pseudoxanthoma elasticum (PXE). Identifiers: Orphanet 758, MedGen CN032334, MONDO:0009925, OMIM 264800.

Submissions (2):

Labcorp Genetics (formerly Invitae), Labcorp
Classification: Pathogenic. Last evaluated: 2022-05-13. Review status: criteria provided, single submitter. Criteria: Invitae Variant Classification Sherloc (09022015). Collection method: clinical testing. Allele origin: germline.
Comment: Algorithms developed to predict the effect of sequence changes on RNA splicing suggest that this variant may disrupt the consensus splice site. For these reasons, this variant has been classified as Pathogenic. ClinVar contains an entry for this variant (Variation ID: 803224). This sequence change creates a premature translational stop signal (p.Val537Cysfs*26) in the ABCC6 gene. It is expected to result in an absent or disrupted protein product. Loss-of-function variants in ABCC6 are known to be pathogenic (PMID: 11536079, 17617515). This variant is not present in population databases (gnomAD no frequency). This premature translational stop signal has been observed in individual(s) with pseudoxanthoma elasticum (PMID: 18513494).

Mendelics
Classification: Pathogenic for Autosomal recessive inherited pseudoxanthoma elasticum. Last evaluated: 2019-05-28. Review status: criteria provided, single submitter. Criteria: Mendelics Assertion Criteria 2017. Collection method: clinical testing. Allele origin: unknown.

Literature cited by the submitters: PubMed 11536079 (cited by Labcorp Genetics (formerly Invitae), Labcorp); PubMed 17617515 (cited by Labcorp Genetics (formerly Invitae), Labcorp); PubMed 18513494 (cited by Labcorp Genetics (formerly Invitae), Labcorp).

NM_001171.6(ABCC6):c.1609del (p.Val537fs)

Gene: ABCC6 (ATP binding cassette subfamily C member 6; minus strand). Cytogenetic location: 16p13.11.
Variant type: Deletion.
Coding change: c.1609del on transcript NM_001171.6 (MANE Select); coding-DNA position 1609, one base deleted (G; older notation c.1609delG).
Protein change: p.Val537fs; shifts the reading frame from valine 537.
Molecular consequence: frameshift variant. On other transcripts: non-coding transcript variant (1).
Genome position (GRCh38, 1-based): chr16:16,190,190, C deleted on the plus strand (G on the coding strand, the reverse complement: ABCC6 is on the minus strand); the first of 2 consecutive C bases (chr16:16,190,190-16,190,191); deleting either gives the same sequence. VCF-style (leftmost placement, unchanged base first): chr16-16190189-AC-A. GRCh37 (hg19) VCF-style: chr16-16284046-AC-A.
Other names: c.1267del, p.Val423fs (NM_001351800.1); short protein forms V423fs, V537fs.
Identifiers: ClinVar variation 803224 (VCV000803224.5), dbSNP rs1596678798, ClinGen allele CA915946319.